The following is an entry in ClinVar:

NM_000334.4(SCN4A):c.969G>A (p.Thr323=)

Gene: SCN4A (sodium voltage-gated channel alpha subunit 4; minus strand). Cytogenetic location: 17q23.3.
Variant type: single nucleotide variant.
Coding change: c.969G>A on transcript NM_000334.4 (MANE Select); coding-DNA position 969, G replaced by A.
Protein change: p.Thr323=; no amino-acid change (threonine 323 retained).
Molecular consequence: synonymous variant.
Genome position (GRCh38, 1-based): chr17:63,968,090, C>T on the plus strand (G>A on the coding strand, the complement: SCN4A is on the minus strand). VCF-style: chr17-63968090-C-T. GRCh37 (hg19) VCF-style: chr17-62045450-C-T.
Identifiers: ClinVar variation 512391 (VCV000512391.11), dbSNP rs1429424012, ClinGen allele CA501226715.

ClinVar aggregate classification (germline): Benign/Likely benign. Review status: criteria provided, multiple submitters, no conflicts (2 of 4 stars). 3 submissions from 3 submitters: Benign (1); Likely benign (2). Last evaluated 2024-07-01.

Conditions:
Hyperkalemic periodic paralysis. Also called: Familial hyperkalemic periodic paralysis; Gamstorp disease. Identifiers: Orphanet 682, MedGen C0238357, MONDO:0008224, OMIM 170500, HP:0007215.

Allele frequency attached by ClinVar (database versions not stated): TOPMed 0.00001; gnomAD 0.00002 and 0.00003.

Submissions (3):

Labcorp Genetics (formerly Invitae), Labcorp
Classification: Likely benign for Hyperkalemic periodic paralysis. Last evaluated: 2024-07-01. Review status: criteria provided, single submitter. Criteria: Invitae Variant Classification Sherloc (09022015). Collection method: clinical testing. Allele origin: germline.

Athena Diagnostics
Classification: Benign. Last evaluated: 2019-02-12. Review status: criteria provided, single submitter. Criteria: Athena Diagnostics Criteria. Collection method: clinical testing. Allele origin: germline.

GeneDx
Classification: Likely benign. Last evaluated: 2017-09-27. Review status: criteria provided, single submitter. Criteria: GeneDx Variant Classification (06012015). Collection method: clinical testing. Allele origin: germline. Affected: yes.
Comment: This variant is considered likely benign or benign based on one or more of the following criteria: it is a conservative change, it occurs at a poorly conserved position in the protein, it is predicted to be benign by multiple in silico algorithms, and/or has population frequency not consistent with disease.